The following is an entry in ClinVar:

ClinVar aggregate classification (germline): Uncertain significance. Review status: criteria provided, multiple submitters, no conflicts (2 of 4 stars). 2 submissions from 2 submitters: Uncertain significance (2). Last evaluated 2025-04-10.

Conditions:
TNFSF11-related disorder. Also called: TNFSF11-related condition.

Submissions (2):

PreventionGenetics, part of Exact Sciences
Classification: Uncertain significance for TNFSF11-related condition. Last evaluated: 2025-04-10. Review status: criteria provided, single submitter. Criteria: ACMG Guidelines, 2015. Collection method: clinical testing. Allele origin: germline.
Comment: The TNFSF11 c.79G>A variant is predicted to result in the amino acid substitution p.Glu27Lys. To our knowledge, this variant has not been reported in the literature or in a large population database (gnomAD), indicating this variant is rare. At this time, the clinical significance of this variant is uncertain due to the absence of conclusive functional and genetic evidence.

Labcorp Genetics (formerly Invitae), Labcorp
Classification: Uncertain significance. Last evaluated: 2021-09-17. Review status: criteria provided, single submitter. Criteria: Invitae Variant Classification Sherloc (09022015). Collection method: clinical testing. Allele origin: germline.
Comment: This sequence change replaces glutamic acid with lysine at codon 27 of the TNFSF11 protein (p.Glu27Lys). The glutamic acid residue is weakly conserved and there is a small physicochemical difference between glutamic acid and lysine. The frequency data for this variant in the population databases is considered unreliable, as metrics indicate insufficient coverage at this position in the ExAC database. This variant has not been reported in the literature in individuals affected with TNFSF11-related conditions. Algorithms developed to predict the effect of missense changes on protein structure and function (SIFT, PolyPhen-2, Align-GVGD) all suggest that this variant is likely to be tolerated. In summary, the available evidence is currently insufficient to determine the role of this variant in disease. Therefore, it has been classified as a Variant of Uncertain Significance.

NM_003701.4(TNFSF11):c.79G>A (p.Glu27Lys)

Genes: TNFSF11 (TNF superfamily member 11; plus strand), LOC130009662 (ATAC-STARR-seq lymphoblastoid silent region 5301; plus strand). Cytogenetic location: 13q14.11.
Variant type: single nucleotide variant.
Coding change: c.79G>A on transcript NM_003701.4 (MANE Select); coding-DNA position 79, G replaced by A.
Protein change: p.Glu27Lys; replaces glutamic acid 27 with lysine.
Molecular consequence: missense variant. On other transcripts: intron variant (1).
Genome position (GRCh38, 1-based): chr13:42,574,382, G>A. VCF-style: chr13-42574382-G-A. GRCh37 (hg19) VCF-style: chr13-43148518-G-A.
Other names: c.-1+2644G>A (NM_033012.4); c.79G>A (NM_003701.3); short protein forms E27K.
Identifiers: ClinVar variation 1480778 (VCV001480778.7), dbSNP rs754979296, ClinGen allele CA388214424.